The following is an entry in ClinVar:

NM_007294.4(BRCA1):c.1556del (p.Lys519fs)

Gene: BRCA1 (BRCA1 DNA repair associated; minus strand). Cytogenetic location: 17q21.31.
Variant type: Deletion.
Coding change: c.1556del on transcript NM_007294.4 (MANE Select); coding-DNA position 1556, one base deleted (A; older notation c.1556delA).
Protein change: p.Lys519fs; shifts the reading frame from lysine 519.
Molecular consequence: frameshift variant. On other transcripts: intron variant (137).
Genome position (GRCh38, 1-based): chr17:43,093,975, T deleted on the plus strand (A on the coding strand, the reverse complement: BRCA1 is on the minus strand); the first of 2 consecutive T bases (chr17:43,093,975-43,093,976); deleting either gives the same sequence. VCF-style (leftmost placement, unchanged base first): chr17-43093974-CT-C. GRCh37 (hg19) VCF-style: chr17-41245991-CT-C.
Other names: 1675delA; c.1556del (U14680.1); c.1556delA (NM_007294.3); c.1343del, p.Lys448fs (NM_001407571.1, NM_001407853.1, NM_001407894.1 and 9 more transcripts); c.1556del, p.Lys519fs (NM_001407581.1, NM_001407582.1, NM_001407583.1 and 30 more transcripts); c.1553del, p.Lys518fs (NM_001407587.1, NM_001407590.1, NM_001407591.1 and 22 more transcripts); c.1547del, p.Lys516fs (NM_001407646.1, NM_001407647.1); c.1433del, p.Lys478fs (NM_001407648.1, NM_001407664.1, NM_001407665.1 and 19 more transcripts); and 43 more; short protein forms K472fs, K519fs, K223fs, K452fs, K477fs, K516fs, K351fs, K391fs.
Identifiers: ClinVar variation 17685 (VCV000017685.62), dbSNP rs80357662, ClinGen allele CA001042.
Genomic context (GRCh38, chr17:43,093,974, plus strand): 5'-CGTTTGGTTAGTTCCCTGATTTATCATTTCAGGAGTCTTTTGAACTGCCAAATCTGCTTT[CT>C]TGATAAAATCCTCAGGATGAAGGCCTGATGTAGGTCTCCTTTTACGCTTTAATTTATTTG-3'

ClinVar aggregate classification (germline): Pathogenic. Review status: reviewed by expert panel (3 of 4 stars). 25 submissions from 25 submitters: Pathogenic (1). 24 of the submissions do not count toward it. Last evaluated 2016-09-08.

Conditions:
Inherited breast cancer and ovarian cancer.
Hereditary cancer-predisposing syndrome. Also called: Neoplastic Syndromes, Hereditary; Tumor predisposition; Hereditary neoplastic syndrome; Hereditary Cancer Syndrome. Identifiers: Orphanet 140162, MedGen C0027672, MeSH D009386, MONDO:0015356.
Hereditary breast ovarian cancer syndrome. Also called: Breast and ovarian cancer; Hereditary breast and/or ovarian cancer syndrome; Hereditary breast and ovarian cancer syndrome (HBOC); Hereditary breast and ovarian cancer; Hereditary breast and ovarian cancer syndrome; BRCA1- and BRCA2-Associated Hereditary Breast and Ovarian Cancer. Identifiers: Orphanet 145, MedGen C0677776, MeSH D061325, MONDO:0003582. Disease mechanism: loss of function.
Breast-ovarian cancer, familial, susceptibility to, 1 (BROVCA1). Also called: BRCA1 Hereditary Breast and Ovarian Cancer; OVARIAN CANCER, SUSCEPTIBILITY TO. Identifiers: Orphanet 145, MedGen C2676676, MONDO:0011450, OMIM 604370. Disease mechanism: loss of function.

Submissions 1 to 12 of 25:

Evidence-based Network for the Interpretation of Germline Mutant Alleles (ENIGMA)
Classification: Pathogenic for Breast-ovarian cancer, familial, susceptibility to, 1. Last evaluated: 2016-09-08. Review status: reviewed by expert panel. Criteria: ENIGMA BRCA1/2 Classification Criteria (2015). Collection method: curation. Allele origin: germline.
Comment: Variant allele predicted to encode a truncated non-functional protein.

Center for Genomic Medicine, Rigshospitalet, Copenhagen University Hospital
Classification: Pathogenic. Last evaluated: 2025-12-29. Review status: criteria provided, single submitter. Criteria: ACMG Guidelines, 2015. Collection method: clinical testing. Allele origin: germline. Not counted in ClinVar's aggregate classification.

Genetics Laboratory, Great Ormond Street Hospital NHS Foundation Trust, North Thames Genomic Laboratory Hub
Classification: Pathogenic for Inherited breast cancer and ovarian cancer. Last evaluated: 2025-12-09. Review status: criteria provided, single submitter. Criteria: CanVIG BRCA Gene Specific V1.22. Collection method: clinical testing. Allele origin: germline. Affected: yes. Not counted in ClinVar's aggregate classification.
Comment: PS4_supporting, PM2_supporting, PVS1_very-strong, PM5_strong

Labcorp Genetics (formerly Invitae), Labcorp
Classification: Pathogenic for Hereditary breast ovarian cancer syndrome. Last evaluated: 2025-12-09. Review status: criteria provided, single submitter. Criteria: Invitae Variant Classification Sherloc (09022015). Collection method: clinical testing. Allele origin: germline. Not counted in ClinVar's aggregate classification.
Comment: This sequence change creates a premature translational stop signal (p.Lys519Argfs*13) in the BRCA1 gene. It is expected to result in an absent or disrupted protein product. Loss-of-function variants in BRCA1 are known to be pathogenic (PMID: 20104584). This variant is not present in population databases (gnomAD no frequency). This premature translational stop signal has been observed in individual(s) with breast and/or ovarian cancer (PMID: 8644702, 9616287, 11720839, 18559594, 20104584, 24504028, 26718727, 26848529). It is commonly reported in individuals of Norwegian and Swedish ancestry (PMID: 8644702, 9616287, 11720839). This variant is also known as 1675delA. ClinVar contains an entry for this variant (Variation ID: 17685). For these reasons, this variant has been classified as Pathogenic.

Institute of Immunology and Genetics Kaiserslautern
Classification: Pathogenic for Breast-ovarian cancer, familial, susceptibility to, 1. Last evaluated: 2025-08-04. Review status: criteria provided, single submitter. Criteria: ACMG Guidelines, 2015. Collection method: clinical testing. Allele origin: germline. Affected: yes. Not counted in ClinVar's aggregate classification.
Comment: ACMG Criteria: PVS1, PS4, PM2, PP1, PP3, PP4, PP5_M.

Color Diagnostics, LLC DBA Color Health
Classification: Pathogenic for Hereditary cancer-predisposing syndrome. Last evaluated: 2025-06-30. Review status: criteria provided, single submitter. Criteria: ACMG Guidelines, 2015. Collection method: clinical testing. Allele origin: germline. Not counted in ClinVar's aggregate classification.
Comment: This variant deletes 1 nucleotide in exon 10 of the BRCA1 gene, creating a frameshift and premature translation stop signal. This variant is also known as 1675delA according to the BIC nomenclature. This variant is expected to result in an absent or non-functional protein product. This variant has been reported in numerous individuals affected with breast cancer and/or ovarian cancer (PMID: 8644702, 15515971, 18559594, 26350514, 26718727, 24504028, 29339979) and is considered a founder mutation in the Norwegian population (PMID 23199084, 29339979). This variant has not been identified in the general population by the Genome Aggregation Database (gnomAD). Loss of BRCA1 function is a known mechanism of disease. Based on the available evidence, this variant is classified as Pathogenic.

Ambry Genetics
Classification: Pathogenic for Hereditary cancer-predisposing syndrome. Last evaluated: 2025-03-04. Review status: criteria provided, single submitter. Criteria: Ambry Variant Classification Scheme 2023. Collection method: clinical testing. Allele origin: germline. Not counted in ClinVar's aggregate classification.
Comment: The c.1556delA pathogenic mutation, located in coding exon 9 of the BRCA1 gene, results from a deletion of one nucleotide at nucleotide position 1556, causing a translational frameshift with a predicted alternate stop codon (p.K519Rfs*13). This alteration has been reported in multiple individuals with hereditary breast and ovarian cancer (HBOC) syndrome (Johannsson O et al. Am. J. Hum. Genet. 1996 Mar;58:441-50; D&oslash;rum A et al. Eur. J. Cancer. 1997 Dec;33:2390-2; Borg A et al. Dis. Markers. 1999 Oct;15:79-84; M&oslash;ller P et al. Eur. J. Cancer. 2001 May;37:1027-32; Eccles DM et al. Ann Oncol, 2016 Mar;27:467-73; Dominguez-Valentin M et al. Hered Cancer Clin Pract, 2018 Jan;16:4), including an individual with pancreatic cancer (Bertelsen B et al. NPJ Genom Med, 2019 Jun;4:13). This alteration is a known founder mutation from Norway, and it is one of the four most common BRCA1 mutations identified in individuals of Norwegian ancestry (Janavicius R. EPMA J. 2010 Sep;1:397-412). Of note, this mutation is also designated as 1675delA and K519fs in published literature. In addition to the clinical data presented in the literature, this alteration is expected to result in loss of function by premature protein truncation or nonsense-mediated mRNA decay. As such, this alteration is interpreted as a disease-causing mutation.

GeneDx
Classification: Pathogenic. Last evaluated: 2024-10-18. Review status: criteria provided, single submitter. Criteria: GeneDx Variant Classification Process June 2021. Collection method: clinical testing. Allele origin: germline. Affected: yes. Not counted in ClinVar's aggregate classification.
Comment: Frameshift variant predicted to result in protein truncation or nonsense mediated decay in a gene for which loss of function is a known mechanism of disease; Common founder variant in the Norwegian population (PMID: 29339979); Not observed at significant frequency in large population cohorts (gnomAD); Truncating variants in this gene are considered pathogenic by a well-established clinical consortium and/or database; Also known as 1675delA; This variant is associated with the following publications: (PMID: 34981296, 37149903, 32923906, 29922827, 28888541, 8644702, 10595257, 23199084, 18559594, 24504028, 26350514, 10441573, 24728189, 26718727, 28637432, 29907814, 30702160, 31447099, 31263571, 10505039, 14522380, 11720839, 32719484, 31825140, 32356124, 30678073, 29371908, 28691938, 26848529, 26681682, 20180971, 37646013, 15515971, 29339979)

Department of Clinical Genetics, Copenhagen University Hospital, Rigshospitalet
Classification: Pathogenic for Breast-ovarian cancer, familial, susceptibility to, 1. Last evaluated: 2024-05-27. Review status: criteria provided, single submitter. Criteria: ACMG Guidelines, 2015. Collection method: clinical testing. Allele origin: germline. Affected: yes. Not counted in ClinVar's aggregate classification.
Comment: PVS1; PM2_supporting; PM5_PTC_Strong

Revvity Omics, Revvity
Classification: Pathogenic. Last evaluated: 2022-11-02. Review status: criteria provided, single submitter. Criteria: ACMG Guidelines, 2015. Collection method: clinical testing. Allele origin: germline. Not counted in ClinVar's aggregate classification.

Baylor Genetics
Classification: Pathogenic for Breast-ovarian cancer, familial, susceptibility to, 1. Last evaluated: 2022-07-29. Review status: criteria provided, single submitter. Criteria: ACMG Guidelines, 2015. Collection method: clinical testing. Allele origin: unknown. Not counted in ClinVar's aggregate classification.

Clinical Genetics Laboratory, Skane University Hospital Lund
Classification: Pathogenic. Last evaluated: 2022-07-22. Review status: criteria provided, single submitter. Criteria: ACMG Guidelines, 2015. Collection method: clinical testing. Allele origin: germline. Affected: yes. Not counted in ClinVar's aggregate classification.